The following is an entry in ClinVar:

ClinVar aggregate classification (germline): Uncertain significance (1 of 4 stars; one submission).

Conditions:
Myoclonic dystonia 11 (DYT11). Also called: DYT-SGCE; Myoclonic dystonia; Dystonia 11; Dystonia, alcohol responsive; Hereditary essential myoclonus; SGCE Myoclonus-Dystonia. Identifiers: Orphanet 36899, MedGen C1834570, MONDO:0008044, OMIM 159900.

Submission:

Labcorp Genetics (formerly Invitae), Labcorp
Classification: Uncertain significance for Myoclonic dystonia 11. Last evaluated: 2020-03-06. Review status: criteria provided, single submitter. Criteria: Invitae Variant Classification Sherloc (09022015). Collection method: clinical testing. Allele origin: germline.
Comment: In summary, the available evidence is currently insufficient to determine the role of this variant in disease. Therefore, it has been classified as a Variant of Uncertain Significance. This variant has not been reported in the literature in individuals with SGCE-related conditions. This variant results in a copy number gain of the genomic region encompassing exon 1 of the SGCE gene, which includes the initiator codon. The 5' end of this event is unknown as it extends beyond the assayed region for this gene and therefore may encompass additional genes. The 3' boundary is likely confined to intron 1 of the SGCE gene. As the precise location of this event is unknown, it may be in tandem or it may be located elsewhere in the genome.

NC_000007.13:g.(?_94285282)_(94285430_?)dup

Gene: SGCE (sarcoglycan epsilon; minus strand). Cytogenetic location: 7q21.3.
Variant type: Duplication.
Identifiers: ClinVar variation 1035907 (VCV001035907.5).